The following is an entry in ClinVar:

ClinVar aggregate classification (germline): Conflicting classifications of pathogenicity. Review status: criteria provided, conflicting classifications (1 of 4 stars). 4 submissions from 4 submitters: Uncertain significance (1); Likely benign (2). 1 of the submissions does not count toward it. Last evaluated 2026-01-13.

Conditions:
JMJD1C-related disorder. Also called: JMJD1C-related condition.
Early Myoclonic Encephalopathy. Identifiers: MedGen C0270855.

Allele frequency attached by ClinVar (database versions not stated): gnomAD 0.00056 and 0.00054; gnomAD exomes 0.00013; 1000 Genomes Project 30x 0.00047; ESP Exome Variant Server 0.00051; 1000 Genomes Project 0.00060; TOPMed 0.00059.
gnomAD v4.1: 188 of 1,591,092 alleles (0.012%); highest among the groups gnomAD compares: African/African-American, 0.23%; no homozygotes.

Submissions (4):

Labcorp Genetics (formerly Invitae), Labcorp
Classification: Likely benign for Early Myoclonic Encephalopathy. Last evaluated: 2026-01-13. Review status: criteria provided, single submitter. Criteria: Invitae Variant Classification Sherloc (09022015). Collection method: clinical testing. Allele origin: germline.

Ambry Genetics
Classification: Uncertain significance. Last evaluated: 2024-01-04. Review status: criteria provided, single submitter. Criteria: Ambry Variant Classification Scheme 2023. Collection method: clinical testing. Allele origin: germline.

Breakthrough Genomics
Classification: Likely benign. Review status: criteria provided, single submitter. Criteria: ACMG Guidelines, 2015. Collection method: not provided. Allele origin: germline. Inheritance: Unknown mechanism. Affected: yes.

PreventionGenetics, part of Exact Sciences
Classification: Likely benign for JMJD1C-related condition. Last evaluated: 2023-06-06. Review status: no assertion criteria provided. Collection method: clinical testing. Allele origin: germline. Not counted in ClinVar's aggregate classification.
Comment: This variant is classified as likely benign based on ACMG/AMP sequence variant interpretation guidelines (Richards et al. 2015 PMID: 25741868, with internal and published modifications).

NM_032776.3(JMJD1C):c.2895A>T (p.Glu965Asp)

Gene: JMJD1C (jumonji domain containing 1C; minus strand). Cytogenetic location: 10q21.3.
Variant type: single nucleotide variant.
Coding change: c.2895A>T on transcript NM_032776.3 (MANE Select); coding-DNA position 2895, A replaced by T.
Protein change: p.Glu965Asp; replaces glutamic acid 965 with aspartic acid.
Molecular consequence: missense variant. On other transcripts: non-coding transcript variant (1).
Genome position (GRCh38, 1-based): chr10:63,208,774, T>A on the plus strand (A>T on the coding strand, the complement: JMJD1C is on the minus strand). VCF-style: chr10-63208774-T-A. GRCh37 (hg19) VCF-style: chr10-64968534-T-A.
Other names: c.2349A>T, p.Glu783Asp (NM_001282948.2, NM_001318154.2); c.2031A>T, p.Glu677Asp (NM_001318153.2); c.2781A>T, p.Glu927Asp (NM_001322252.2); c.2238A>T, p.Glu746Asp (NM_001322254.2, NM_001322258.2); c.2895A>T (NM_032776.1); short protein forms E965D, E677D, E783D, E746D, E927D.
Identifiers: ClinVar variation 569335 (VCV000569335.16), dbSNP rs189118006, ClinGen allele CA5518523.
Genomic context (GRCh38, chr10:63,208,774, plus strand): 5'-CTGTGACCTATTTAGATCCAGGTCATTTTTGGCTGATGTGGATGCAACAGACCGTAATGG[T>A]TCCATAAAAGCTTTTCTTTCTAATTCTCTGTAAAGAAAATACACAAATATTTCTGTAACC-3'
Protein context (NP_116165.1, residues 955-975): KEELERKAFM[Glu965Asp]PLRSVASTSA